The following is an entry in ClinVar:

NM_007289.4(MME):c.1877A>G (p.Tyr626Cys)

Gene: MME (membrane metalloendopeptidase; plus strand). Cytogenetic location: 3q25.2.
Variant type: single nucleotide variant.
Coding change: c.1877A>G on transcript NM_007289.4 (MANE Select); coding-DNA position 1877, A replaced by G.
Protein change: p.Tyr626Cys; replaces tyrosine 626 with cysteine.
Molecular consequence: missense variant.
Genome position (GRCh38, 1-based): chr3:155,168,588, A>G. VCF-style: chr3-155168588-A-G. GRCh37 (hg19) VCF-style: chr3-154886377-A-G.
Other names: c.1877A>G, p.Tyr626Cys (NM_000902.5, NM_001354642.2, NM_001354643.1 and 2 more transcripts); short protein forms Y626C.
Identifiers: ClinVar variation 3896915 (VCV003896915.1).

ClinVar aggregate classification (germline): Uncertain significance (1 of 4 stars; one submission).

Conditions:
Charcot-Marie-Tooth disease axonal type 2T. Identifiers: Orphanet 443950, MedGen C4015635, OMIM 617017, MONDO:0014866.

Submission:

Kariminejad - Najmabadi Pathology & Genetics Center
Classification: Uncertain significance for Charcot-Marie-Tooth disease axonal type 2T. Last evaluated: 2024-01-14. Review status: criteria provided, single submitter. Criteria: ACMG Guidelines, 2015. Collection method: clinical testing. Allele origin: germline. Inheritance: Autosomal recessive inheritance. Affected: yes.
Comment: PM2,PP3_moderate